The following is an entry in ClinVar:

NM_148674.5(SMC1B):c.921C>T (p.His307=)

Gene: SMC1B (structural maintenance of chromosomes 1B; minus strand). Cytogenetic location: 22q13.31.
Variant type: single nucleotide variant.
Coding change: c.921C>T on transcript NM_148674.5 (MANE Select); coding-DNA position 921, C replaced by T.
Protein change: p.His307=; no amino-acid change (histidine 307 retained).
Molecular consequence: synonymous variant.
Genome position (GRCh38, 1-based): chr22:45,399,287, G>A on the plus strand (C>T on the coding strand, the complement: SMC1B is on the minus strand). VCF-style: chr22-45399287-G-A. GRCh37 (hg19) VCF-style: chr22-45795167-G-A.
Other names: c.921C>T, p.His307= (NM_001291501.2).
Identifiers: ClinVar variation 2653285 (VCV002653285.24), dbSNP rs2518036076, ClinGen allele CA515091412.

ClinVar aggregate classification (germline): Likely benign (1 of 4 stars; one submission).

Submission:

CeGaT Center for Human Genetics Tuebingen
Classification: Likely benign. Last evaluated: 2023-02-01. Review status: criteria provided, single submitter. Criteria: CeGaT Center For Human Genetics Tuebingen Variant Classification Criteria Version 2. Collection method: clinical testing. Allele origin: germline. Affected: yes. Observed: 1 variant allele.
Comment: SMC1B: PM2:Supporting, BP4, BP7